The following is an entry in ClinVar:

NM_004933.3(CDH15):c.1871T>A (p.Val624Glu)

Gene: CDH15 (cadherin 15; plus strand). Cytogenetic location: 16q24.3.
Variant type: single nucleotide variant.
Coding change: c.1871T>A on transcript NM_004933.3 (MANE Select); coding-DNA position 1871, T replaced by A.
Protein change: p.Val624Glu; replaces valine 624 with glutamic acid.
Molecular consequence: missense variant.
Genome position (GRCh38, 1-based): chr16:89,193,485, T>A. VCF-style: chr16-89193485-T-A. GRCh37 (hg19) VCF-style: chr16-89259893-T-A.
Other names: short protein forms V624E.
Identifiers: ClinVar variation 2647039 (VCV002647039.24), dbSNP rs112137389, ClinGen allele CA397141544.
Genomic context (GRCh38, chr16:89,193,485, plus strand): 5'-TCGCGCCCTGTGCCTGGCCCCAGCCTGCGTCCCCTCATTCCCCAGTGCTGGTCCTGCTCG[T>A]GGCACTCCGGGCGCGGTTCTGGAAGCAGTCTCGGGGCAAGGGGCTGCTGCACGGCCCCCA-3'
Protein context (NP_004924.1, residues 614-634): ALLLLVLVLL[Val624Glu]ALRARFWKQS

ClinVar aggregate classification (germline): Uncertain significance (1 of 4 stars; one submission).

gnomAD v4.1: 3 of 1,611,014 alleles (0.00019%); highest among the groups gnomAD compares: Non-Finnish European, 0.00025%; no homozygotes.

Submission:

CeGaT Center for Human Genetics Tuebingen
Classification: Uncertain significance. Last evaluated: 2023-10-01. Review status: criteria provided, single submitter. Criteria: CeGaT Center For Human Genetics Tuebingen Variant Classification Criteria Version 2. Collection method: clinical testing. Allele origin: germline. Affected: yes. Observed: 1 variant allele.
Comment: CDH15: PM2, BP4